The following is an entry in ClinVar:

NM_003638.3(ITGA8):c.361G>A (p.Val121Ile)

Gene: ITGA8 (integrin subunit alpha 8; minus strand). Cytogenetic location: 10p13.
Variant type: single nucleotide variant.
Coding change: c.361G>A on transcript NM_003638.3 (MANE Select); coding-DNA position 361, G replaced by A.
Protein change: p.Val121Ile; replaces valine 121 with isoleucine.
Molecular consequence: missense variant.
Genome position (GRCh38, 1-based): chr10:15,688,021, C>T on the plus strand (G>A on the coding strand, the complement: ITGA8 is on the minus strand). VCF-style: chr10-15688021-C-T. GRCh37 (hg19) VCF-style: chr10-15730020-C-T.
Other names: c.361G>A, p.Val121Ile (NM_001291494.2); short protein forms V121I.
Identifiers: ClinVar variation 1703974 (VCV001703974.2), dbSNP rs774358157, ClinGen allele CA5420710.

ClinVar aggregate classification (germline): Uncertain significance (1 of 4 stars; one submission).

Allele frequency attached by ClinVar (database versions not stated): gnomAD 0.00001; TOPMed 0.00002; ExAC 0.00006.
gnomAD v4.1: 50 of 1,610,810 alleles (0.0031%); highest among the groups gnomAD compares: Middle Eastern, 0.066%; no homozygotes.

Submission:

GeneDx
Classification: Uncertain significance. Last evaluated: 2022-02-28. Review status: criteria provided, single submitter. Criteria: GeneDx Variant Classification Process June 2021. Collection method: clinical testing. Allele origin: germline. Affected: yes.
Comment: In silico analysis supports that this missense variant does not alter protein structure/function; Has not been previously published as pathogenic or benign to our knowledge